The following is an entry in ClinVar:

ClinVar aggregate classification (germline): Uncertain significance (1 of 4 stars; one submission).

Conditions:
Cardiovascular phenotype. Identifiers: MedGen CN230736.

Submission:

Ambry Genetics
Classification: Uncertain significance for Cardiovascular phenotype. Last evaluated: 2022-12-27. Review status: criteria provided, single submitter. Criteria: Ambry Variant Classification Scheme 2023. Collection method: clinical testing. Allele origin: germline.
Comment: The p.V695L variant (also known as c.2083G>C), located in coding exon 20 of the RYR2 gene, results from a G to C substitution at nucleotide position 2083. The valine at codon 695 is replaced by leucine, an amino acid with highly similar properties. This amino acid position is highly conserved in available vertebrate species. In addition, the in silico prediction for this alteration is inconclusive. Since supporting evidence is limited at this time, the clinical significance of this alteration remains unclear.

NM_001035.3(RYR2):c.2083G>C (p.Val695Leu)

Gene: RYR2 (ryanodine receptor 2; plus strand). Cytogenetic location: 1q43.
Variant type: single nucleotide variant.
Coding change: c.2083G>C on transcript NM_001035.3 (MANE Select); coding-DNA position 2083, G replaced by C.
Protein change: p.Val695Leu; replaces valine 695 with leucine.
Molecular consequence: missense variant.
Genome position (GRCh38, 1-based): chr1:237,496,632, G>C. VCF-style: chr1-237496632-G-C. GRCh37 (hg19) VCF-style: chr1-237659932-G-C.
Other names: short protein forms V695L.
Identifiers: ClinVar variation 2454012 (VCV002454012.2), dbSNP rs2545836029, ClinGen allele CA345391791.